The following is an entry in ClinVar:

ClinVar aggregate classification (germline): Uncertain significance (1 of 4 stars; one submission).

Conditions:
Epilepsy, childhood absence, susceptibility to, 1. Also called: Epilepsy, childhood absence 1. Identifiers: Orphanet 64280, MedGen C1838604, MONDO:0020759, OMIM 600131.
Epilepsy, childhood absence, susceptibility to, 5. Identifiers: Orphanet 64280, MedGen C2677087, MONDO:0012843, OMIM 612269.

Submission:

Labcorp Genetics (formerly Invitae), Labcorp
Classification: Uncertain significance for Epilepsy, childhood absence, susceptibility to, 5; Epilepsy, childhood absence, susceptibility to, 1. Last evaluated: 2024-07-26. Review status: criteria provided, single submitter. Criteria: Invitae Variant Classification Sherloc (09022015). Collection method: clinical testing. Allele origin: germline.
Comment: This sequence change replaces leucine, which is neutral and non-polar, with proline, which is neutral and non-polar, at codon 462 of the GABRB3 protein (p.Leu462Pro). This variant is not present in population databases (gnomAD no frequency). This variant has not been reported in the literature in individuals affected with GABRB3-related conditions. Advanced modeling of protein sequence and biophysical properties (such as structural, functional, and spatial information, amino acid conservation, physicochemical variation, residue mobility, and thermodynamic stability) has been performed at Invitae for this missense variant, however the output from this modeling did not meet the statistical confidence thresholds required to predict the impact of this variant on GABRB3 protein function. In summary, the available evidence is currently insufficient to determine the role of this variant in disease. Therefore, it has been classified as a Variant of Uncertain Significance.

NM_000814.6(GABRB3):c.1385T>C (p.Leu462Pro)

Gene: GABRB3 (gamma-aminobutyric acid type A receptor subunit beta3; minus strand). Cytogenetic location: 15q12.
Variant type: single nucleotide variant.
Coding change: c.1385T>C on transcript NM_000814.6 (MANE Select); coding-DNA position 1385, T replaced by C.
Protein change: p.Leu462Pro; replaces leucine 462 with proline.
Molecular consequence: missense variant.
Genome position (GRCh38, 1-based): chr15:26,547,830, A>G on the plus strand (T>C on the coding strand, the complement: GABRB3 is on the minus strand). VCF-style: chr15-26547830-A-G. GRCh37 (hg19) VCF-style: chr15-26792977-A-G.
Other names: c.1130T>C, p.Leu377Pro (NM_001191320.2, NM_001278631.2); c.1172T>C, p.Leu391Pro (NM_001191321.3); c.1385T>C, p.Leu462Pro (NM_021912.5); short protein forms L377P, L391P, L462P.
Identifiers: ClinVar variation 3754022 (VCV003754022.2).